The following is an entry in ClinVar:

ClinVar aggregate classification (germline): Uncertain significance (1 of 4 stars; one submission).

Conditions:
Immunodeficiency. Identifiers: MedGen C0021051, MONDO:0021094, HP:0002721.

Submission:

Labcorp Genetics (formerly Invitae), Labcorp
Classification: Uncertain significance for Immunodeficiency. Last evaluated: 2024-05-23. Review status: criteria provided, single submitter. Criteria: Invitae Variant Classification Sherloc (09022015). Collection method: clinical testing. Allele origin: germline.
Comment: This sequence change affects codon 444 of the NFAT5 mRNA. It is a 'silent' change, meaning that it does not change the encoded amino acid sequence of the NFAT5 protein. This variant is not present in population databases (gnomAD no frequency). This variant has not been reported in the literature in individuals affected with NFAT5-related conditions. Algorithms developed to predict the effect of sequence changes on RNA splicing suggest that this variant may create or strengthen a splice site. In summary, the available evidence is currently insufficient to determine the role of this variant in disease. Therefore, it has been classified as a Variant of Uncertain Significance.

NM_138713.4(NFAT5):c.1614G>T (p.Val538=)

Gene: NFAT5 (nuclear factor of activated T cells 5; plus strand). Cytogenetic location: 16q22.1.
Variant type: single nucleotide variant.
Coding change: c.1614G>T on transcript NM_138713.4 (MANE Select); coding-DNA position 1614, G replaced by T.
Protein change: p.Val538=; no amino-acid change (valine 538 retained).
Molecular consequence: synonymous variant.
Genome position (GRCh38, 1-based): chr16:69,677,259, G>T. VCF-style: chr16-69677259-G-T. GRCh37 (hg19) VCF-style: chr16-69711162-G-T.
Other names: c.1614G>T, p.Val538= (NM_001113178.3); c.942G>T, p.Val314= (NM_001367709.1); c.1560G>T, p.Val520= (NM_006599.4); c.1332G>T, p.Val444= (NM_138714.4, NM_173214.3, NM_173215.3).
Identifiers: ClinVar variation 3654446 (VCV003654446.2).